The following is an entry in ClinVar:

ClinVar aggregate classification (germline): Uncertain significance. Review status: criteria provided, multiple submitters, no conflicts (2 of 4 stars). 5 submissions from 5 submitters: Uncertain significance (4). 1 of the submissions does not count toward it. Last evaluated 2023-04-11.

Conditions:
Microcephaly 5, primary, autosomal recessive (MCPH5). Also called: ASPM Primary Microcephaly. Identifiers: Orphanet 2512, MedGen C1837501, MONDO:0012106, OMIM 608716.
ASPM-related disorder. Also called: ASPM-related condition.

Allele frequency attached by ClinVar (database versions not stated): gnomAD 0.00006 and 0.00008; TOPMed 0.00006.
gnomAD v4.1: 99 of 1,612,296 alleles (0.0061%); highest among the groups gnomAD compares: South Asian, 0.027%; no homozygotes.

Submissions (5):

Genome-Nilou Lab
Classification: Uncertain significance for Microcephaly 5, primary, autosomal recessive. Last evaluated: 2023-04-11. Review status: criteria provided, single submitter. Criteria: ACMG Guidelines, 2015. Collection method: clinical testing. Allele origin: germline. Affected: no.

CeGaT Center for Human Genetics Tuebingen
Classification: Uncertain significance. Last evaluated: 2022-09-01. Review status: criteria provided, single submitter. Criteria: CeGaT Center For Human Genetics Tuebingen Variant Classification Criteria Version 2. Collection method: clinical testing. Allele origin: germline. Affected: yes. Observed: 1 variant allele.
Comment: ASPM: PM2

Labcorp Genetics (formerly Invitae), Labcorp
Classification: Uncertain significance. Last evaluated: 2022-07-30. Review status: criteria provided, single submitter. Criteria: Invitae Variant Classification Sherloc (09022015). Collection method: clinical testing. Allele origin: germline.
Comment: This sequence change replaces alanine, which is neutral and non-polar, with threonine, which is neutral and polar, at codon 2266 of the ASPM protein (p.Ala2266Thr). This variant is present in population databases (rs200800956, gnomAD 0.1%). This variant has not been reported in the literature in individuals affected with ASPM-related conditions. ClinVar contains an entry for this variant (Variation ID: 875804). Algorithms developed to predict the effect of missense changes on protein structure and function are either unavailable or do not agree on the potential impact of this missense change (SIFT: "Deleterious"; PolyPhen-2: "Probably Damaging"; Align-GVGD: "Class C0"). In summary, the available evidence is currently insufficient to determine the role of this variant in disease. Therefore, it has been classified as a Variant of Uncertain Significance.

Illumina Laboratory Services, Illumina
Classification: Uncertain significance for Microcephaly 5, primary, autosomal recessive. Last evaluated: 2018-01-13. Review status: criteria provided, single submitter. Criteria: ICSL Variant Classification Criteria 13 December 2019. Collection method: clinical testing. Allele origin: germline.

PreventionGenetics, part of Exact Sciences
Classification: Uncertain significance for ASPM-related condition. Last evaluated: 2023-10-27. Review status: no assertion criteria provided. Collection method: clinical testing. Allele origin: germline. Not counted in ClinVar's aggregate classification.
Comment: The ASPM c.6796G>A variant is predicted to result in the amino acid substitution p.Ala2266Thr. To our knowledge, this variant has not been reported in the literature. This variant is reported in 0.12% of alleles in individuals of Ashkenazi Jewish descent in gnomAD. At this time, the clinical significance of this variant is uncertain due to the absence of conclusive functional and genetic evidence.

NM_018136.5(ASPM):c.6796G>A (p.Ala2266Thr)

Gene: ASPM (assembly factor for spindle microtubules; minus strand). Cytogenetic location: 1q31.3.
Variant type: single nucleotide variant.
Coding change: c.6796G>A on transcript NM_018136.5 (MANE Select); coding-DNA position 6796, G replaced by A.
Protein change: p.Ala2266Thr; replaces alanine 2266 with threonine.
Molecular consequence: missense variant. On other transcripts: intron variant (1).
Genome position (GRCh38, 1-based): chr1:197,102,455, C>T on the plus strand (G>A on the coding strand, the complement: ASPM is on the minus strand). VCF-style: chr1-197102455-C-T. GRCh37 (hg19) VCF-style: chr1-197071585-C-T.
Other names: c.4066-6291G>A (NM_001206846.2); short protein forms A2266T.
Identifiers: ClinVar variation 875804 (VCV000875804.30), dbSNP rs200800956, ClinGen allele CA1309519.